The following is an entry in ClinVar:

ClinVar aggregate classification (germline): Conflicting classifications of pathogenicity. Review status: criteria provided, conflicting classifications (1 of 4 stars). 8 submissions from 8 submitters: Uncertain significance (7); Benign (1). Last evaluated 2026-03-20.

Conditions:
PRKAG2-related disorder. Also called: PRKAG2-related disorders; PRKAG2-related condition.
Cardiovascular phenotype. Identifiers: MedGen CN230736.
Lethal congenital glycogen storage disease of heart. Also called: PHOSPHORYLASE KINASE DEFICIENCY OF HEART; GLYCOGEN STORAGE DISEASE OF HEART. Identifiers: Orphanet 439854, MedGen C1849813, MONDO:0009867, OMIM 261740.
Hypertrophic cardiomyopathy 6. Identifiers: MedGen C1833236, MONDO:0010946, OMIM 600858.
Wolff-Parkinson-White pattern. Also called: Auriculoventricular accessory pathway syndrome; False bundle branch block syndrome; Anomalous ventricular excitation syndrome; WPW SYNDROME. Identifiers: MedGen C0043202, MONDO:0008685, OMIM 194200, HP:0001716.
Cardiomyopathy (CMYO). Also called: Cardiomyopathies. Identifiers: Orphanet 167848, MedGen C0878544, MONDO:0004994, HP:0001638. Inheritance: Various modes of inheritance.

Allele frequency attached by ClinVar (database versions not stated): gnomAD exomes 0.00002; ExAC 0.00003; gnomAD 0.00005 and 0.00007; TOPMed 0.00005.
gnomAD v4.1: 17 of 1,408,534 alleles (0.0012%); highest among the groups gnomAD compares: African/African-American, 0.022%; no homozygotes.

Submissions (8):

Women's Health and Genetics/Laboratory Corporation of America, LabCorp
Classification: Uncertain significance. Last evaluated: 2026-03-20. Review status: criteria provided, single submitter. Criteria: LabCorp Variant Classification Summary - May 2015. Collection method: clinical testing. Allele origin: germline.

Labcorp Genetics (formerly Invitae), Labcorp
Classification: Benign for Lethal congenital glycogen storage disease of heart. Last evaluated: 2026-01-10. Review status: criteria provided, single submitter. Criteria: Invitae Variant Classification Sherloc (09022015). Collection method: clinical testing. Allele origin: germline.

PreventionGenetics, part of Exact Sciences
Classification: Uncertain significance for PRKAG2-related condition. Last evaluated: 2025-06-24. Review status: criteria provided, single submitter. Criteria: ACMG Guidelines, 2015. Collection method: clinical testing. Allele origin: germline.
Comment: The PRKAG2 c.704T>G variant is predicted to result in the amino acid substitution p.Leu235Arg. To our knowledge, this variant has not been reported in the literature. This variant is reported in 0.045% of alleles in individuals of African descent in gnomAD. Although we suspect that this variant may be benign, at this time, the clinical significance of this variant is uncertain due to the absence of conclusive functional and genetic evidence.

Ambry Genetics
Classification: Uncertain significance for Cardiovascular phenotype. Last evaluated: 2025-06-09. Review status: criteria provided, single submitter. Criteria: Ambry Variant Classification Scheme 2023. Collection method: clinical testing. Allele origin: germline.
Comment: The p.L235R variant (also known as c.704T>G), located in coding exon 5 of the PRKAG2 gene, results from a T to G substitution at nucleotide position 704. The leucine at codon 235 is replaced by arginine, an amino acid with dissimilar properties. This amino acid position is poorly conserved in available vertebrate species. In addition, this alteration is predicted to be tolerated by in silico analysis. Since supporting evidence is limited at this time, the clinical significance of this alteration remains unclear.

Color Diagnostics, LLC DBA Color Health
Classification: Uncertain significance for Cardiomyopathy. Last evaluated: 2023-12-04. Review status: criteria provided, single submitter. Criteria: ACMG Guidelines, 2015. Collection method: clinical testing. Allele origin: germline.
Comment: This missense variant replaces leucine with arginine at codon 235 of the PRKAG2 protein. Computational prediction tools and conservation analyses are inconclusive regarding the impact of this variant on the protein function. Computational splicing tools suggest that this variant may not impact RNA splicing. To our knowledge, functional assays have not been performed for this variant nor has this variant been reported in individuals affected with cardiovascular disorders in the literature. This variant has been identified in 8/191708 chromosomes in the general population by the Genome Aggregation Database (gnomAD). Available evidence is insufficient to determine the role of this variant in disease conclusively. Therefore, this variant is classified as a Variant of Uncertain Significance.

CHEO Genetics Diagnostic Laboratory, Children's Hospital of Eastern Ontario
Classification: Uncertain significance for Cardiomyopathy. Last evaluated: 2023-02-21. Review status: criteria provided, single submitter. Criteria: ACMG Guidelines, 2015. Collection method: clinical testing. Allele origin: germline.

GeneDx
Classification: Uncertain significance. Last evaluated: 2021-02-15. Review status: criteria provided, single submitter. Criteria: GeneDx Variant Classification Process June 2021. Collection method: clinical testing. Allele origin: germline. Affected: yes.
Comment: Has not been previously published as pathogenic or benign to our knowledge; In silico analysis supports that this missense variant does not alter protein structure/function; Reported in ClinVar but additional evidence is not available (ClinVar Variant ID#410720; Landrum et al., 2016)

Center for Genomics, Ann and Robert H. Lurie Children's Hospital of Chicago
Classification: Uncertain significance for Lethal congenital glycogen storage disease of heart; Wolff-Parkinson-White pattern; Hypertrophic cardiomyopathy 6. Review status: criteria provided, single submitter. Criteria: ACMG Guidelines, 2015. Collection method: clinical testing. Allele origin: germline.
Comment: PRKAG2 NM_016203.3 exon 5 p.Leu235Arg (c.704T>G): This variant has not been reported in the literature but is present in 0.04% (7/15616) of African alleles in the Genome Aggregation Database. This variant is present in ClinVar (Variation ID:410720). Evolutionary conservation and computational predictive tools suggest that this variant may not impact the protein. In summary, data on this variant is insufficient for disease classification. Therefore, the clinical significance of this variant is uncertain.

NM_016203.4(PRKAG2):c.704T>G (p.Leu235Arg)

Genes: PRKAG2 (protein kinase AMP-activated non-catalytic subunit gamma 2; minus strand), LOC129999660 (ATAC-STARR-seq lymphoblastoid silent region 18823; plus strand). Cytogenetic location: 7q36.1.
Variant type: single nucleotide variant.
Coding change: c.704T>G on transcript NM_016203.4 (MANE Select); coding-DNA position 704, T replaced by G.
Protein change: p.Leu235Arg; replaces leucine 235 with arginine.
Molecular consequence: missense variant. On other transcripts: 5 prime UTR variant (2).
Genome position (GRCh38, 1-based): chr7:151,632,119, A>C on the plus strand (T>G on the coding strand, the complement: PRKAG2 is on the minus strand). VCF-style: chr7-151632119-A-C. GRCh37 (hg19) VCF-style: chr7-151329205-A-C.
Other names: c.572T>G, p.Leu191Arg (NM_001040633.2); c.332T>G, p.Leu111Arg (NM_001304527.2, NM_001363698.2); c.-20T>G (NM_001304531.2, NM_024429.2); short protein forms L235R, L111R, L191R.
Identifiers: ClinVar variation 410720 (VCV000410720.26), dbSNP rs751094298, ClinGen allele CA058124.